The following is an entry in ClinVar:

ClinVar aggregate classification (germline): Pathogenic (1 of 4 stars; one submission).

Conditions:
Carpenter syndrome. Identifiers: Orphanet 65759, MedGen C1275078, MONDO:0019012.

Submission:

Labcorp Genetics (formerly Invitae), Labcorp
Classification: Pathogenic for Carpenter syndrome. Last evaluated: 2022-07-16. Review status: criteria provided, single submitter. Criteria: Invitae Variant Classification Sherloc (09022015). Collection method: clinical testing. Allele origin: germline.
Comment: This sequence change creates a premature translational stop signal (p.Arg142Serfs*2) in the RAB23 gene. It is expected to result in an absent or disrupted protein product. Loss-of-function variants in RAB23 are known to be pathogenic (PMID: 17503333, 21412941). This variant is not present in population databases (gnomAD no frequency). This variant has not been reported in the literature in individuals affected with RAB23-related conditions. For these reasons, this variant has been classified as Pathogenic.

Literature cited by the submitters: PubMed 17503333; PubMed 21412941.

NM_016277.5(RAB23):c.426del (p.Arg142fs)

Gene: RAB23 (RAB23, member RAS oncogene family; minus strand). Cytogenetic location: 6p12.1.
Variant type: Deletion.
Coding change: c.426del on transcript NM_016277.5 (MANE Select); coding-DNA position 426, one base deleted (G; older notation c.426delG).
Protein change: p.Arg142fs; shifts the reading frame from arginine 142.
Molecular consequence: frameshift variant.
Genome position (GRCh38, 1-based): chr6:57,194,825, C deleted on the plus strand (G on the coding strand, the reverse complement: RAB23 is on the minus strand); the first of 2 consecutive C bases (chr6:57,194,825-57,194,826); deleting either gives the same sequence. VCF-style (leftmost placement, unchanged base first): chr6-57194824-AC-A. GRCh37 (hg19) VCF-style: chr6-57059622-AC-A.
Other names: c.426del, p.Arg142fs (NM_001278666.2, NM_001278667.2, NM_001278668.2 and 1 more transcripts); short protein forms R142fs.
Identifiers: ClinVar variation 2017670 (VCV002017670.4), dbSNP rs2533178501, ClinGen allele CA2580075607.